The following is an entry in ClinVar:

ClinVar aggregate classification (germline): Uncertain significance. Review status: criteria provided, multiple submitters, no conflicts (2 of 4 stars). 3 submissions from 3 submitters: Uncertain significance (3). Last evaluated 2025-12-21.

Conditions:
Cardiovascular phenotype. Identifiers: MedGen CN230736.
Hereditary cancer-predisposing syndrome. Also called: Hereditary neoplastic syndrome; Neoplastic Syndromes, Hereditary; Tumor predisposition; Hereditary Cancer Syndrome. Identifiers: Orphanet 140162, MedGen C0027672, MeSH D009386, MONDO:0015356.

Allele frequency attached by ClinVar (database versions not stated): TOPMed below 0.00001.

Submissions (3):

Labcorp Genetics (formerly Invitae), Labcorp
Classification: Uncertain significance. Last evaluated: 2025-12-21. Review status: criteria provided, single submitter. Criteria: Invitae Variant Classification Sherloc (09022015). Collection method: clinical testing. Allele origin: germline.
Comment: This sequence change replaces serine, which is neutral and polar, with phenylalanine, which is neutral and non-polar, at codon 104 of the LZTR1 protein (p.Ser104Phe). This variant is not present in population databases (gnomAD no frequency). This variant has not been reported in the literature in individuals affected with LZTR1-related conditions. ClinVar contains an entry for this variant (Variation ID: 561711). Invitae Evidence Modeling of protein sequence and biophysical properties (such as structural, functional, and spatial information, amino acid conservation, physicochemical variation, residue mobility, and thermodynamic stability) indicates that this missense variant is not expected to disrupt LZTR1 protein function with a negative predictive value of 80%. In summary, the available evidence is currently insufficient to determine the role of this variant in disease. Therefore, it has been classified as a Variant of Uncertain Significance.

Ambry Genetics
Classification: Uncertain significance for Cardiovascular phenotype; Hereditary cancer-predisposing syndrome. Last evaluated: 2023-12-29. Review status: criteria provided, single submitter. Criteria: Ambry Variant Classification Scheme 2023. Collection method: clinical testing. Allele origin: germline.
Comment: The p.S104F variant (also known as c.311C>T), located in coding exon 3 of the LZTR1 gene, results from a C to T substitution at nucleotide position 311. The serine at codon 104 is replaced by phenylalanine, an amino acid with highly dissimilar properties. This amino acid position is highly conserved in available vertebrate species. In addition, the in silico prediction for this alteration is inconclusive. Since supporting evidence is limited at this time, the clinical significance of this alteration remains unclear.

GeneDx
Classification: Uncertain significance. Last evaluated: 2018-01-11. Review status: criteria provided, single submitter. Criteria: GeneDx Variant Classification (06012015). Collection method: clinical testing. Allele origin: germline. Affected: yes.
Comment: The S104F variant in the LZTR1 gene has not been reported previously as a pathogenic variant, nor as a benign variant, to our knowledge. The S104F variant is not observed in large population cohorts (Lek et al., 2016). The S104F variant is a non-conservative amino acid substitution, which is likely to impact secondary protein structure as these residues differ in polarity, charge, size and/or other properties. In-silico analyses, including protein predictors and evolutionary conservation, support a deleterious effect. We interpret S104F as a variant of uncertain significance.

NM_006767.4(LZTR1):c.311C>T (p.Ser104Phe)

Gene: LZTR1 (leucine zipper like post translational regulator 1; plus strand). Cytogenetic location: 22q11.21.
Variant type: single nucleotide variant.
Coding change: c.311C>T on transcript NM_006767.4 (MANE Select); coding-DNA position 311, C replaced by T.
Protein change: p.Ser104Phe; replaces serine 104 with phenylalanine.
Molecular consequence: missense variant.
Genome position (GRCh38, 1-based): chr22:20,985,888, C>T. VCF-style: chr22-20985888-C-T. GRCh37 (hg19) VCF-style: chr22-21340177-C-T.
Other names: short protein forms S104F.
Identifiers: ClinVar variation 561711 (VCV000561711.4), dbSNP rs1309568769, ClinGen allele CA410778892.